The following is an entry in ClinVar:

NM_203447.4(DOCK8):c.5269C>G (p.Pro1757Ala)

Gene: DOCK8 (dedicator of cytokinesis 8; plus strand). Cytogenetic location: 9p24.3.
Variant type: single nucleotide variant.
Coding change: c.5269C>G on transcript NM_203447.4 (MANE Select); coding-DNA position 5269, C replaced by G.
Protein change: p.Pro1757Ala; replaces proline 1757 with alanine.
Molecular consequence: missense variant.
Genome position (GRCh38, 1-based): chr9:441,331, C>G. VCF-style: chr9-441331-C-G. GRCh37 (hg19) VCF-style: chr9-441331-C-G.
Other names: c.4969C>G, p.Pro1657Ala (NM_001190458.2); c.5065C>G, p.Pro1689Ala (NM_001193536.2); short protein forms P1657A, P1689A, P1757A.
Identifiers: ClinVar variation 1011841 (VCV001011841.9), dbSNP rs760517294, ClinGen allele CA372768032.

ClinVar aggregate classification (germline): Uncertain significance (1 of 4 stars; one submission).

Conditions:
Combined immunodeficiency due to DOCK8 deficiency (HIES2). Also called: Hyper-IgE recurrent infection syndrome, autosomal recessive; DOCK8 Deficiency; HIES autosomal recessive; HYPER-IgE RECURRENT INFECTION SYNDROME 2, AUTOSOMAL RECESSIVE; HYPER-IgE SYNDROME 2, AUTOSOMAL RECESSIVE, WITH RECURRENT INFECTIONS. Identifiers: Orphanet 217390, MedGen C4722305, MONDO:0009478, OMIM 243700.

Allele frequency attached by ClinVar (database versions not stated): TOPMed below 0.00001.

Submission:

Labcorp Genetics (formerly Invitae), Labcorp
Classification: Uncertain significance for Combined immunodeficiency due to DOCK8 deficiency. Last evaluated: 2020-10-10. Review status: criteria provided, single submitter. Criteria: Invitae Variant Classification Sherloc (09022015). Collection method: clinical testing. Allele origin: germline.
Comment: In summary, the available evidence is currently insufficient to determine the role of this variant in disease. Therefore, it has been classified as a Variant of Uncertain Significance. Algorithms developed to predict the effect of missense changes on protein structure and function are either unavailable or do not agree on the potential impact of this missense change (SIFT: "Deleterious"; PolyPhen-2: "Probably Damaging"; Align-GVGD: "Class C0"). This variant has not been reported in the literature in individuals with DOCK8-related conditions. This variant is not present in population databases (ExAC no frequency). This sequence change replaces proline with alanine at codon 1757 of the DOCK8 protein (p.Pro1757Ala). The proline residue is highly conserved and there is a small physicochemical difference between proline and alanine.